The following is an entry in ClinVar:

ClinVar aggregate classification (germline): Uncertain significance (1 of 4 stars; one submission).

Allele frequency attached by ClinVar (database versions not stated): gnomAD 0.00001; TOPMed 0.00003.
gnomAD v4.1: 2 of 1,613,900 alleles (0.00012%); highest among the groups gnomAD compares: African/African-American, 0.0027%; no homozygotes.

Submission:

GeneDx
Classification: Uncertain significance. Last evaluated: 2024-06-17. Review status: criteria provided, single submitter. Criteria: GeneDx Variant Classification Process June 2021. Collection method: clinical testing. Allele origin: germline.
Comment: In silico analysis supports that this missense variant has a deleterious effect on protein structure/function; Has not been previously published as pathogenic or benign to our knowledge

NM_015057.5(MYCBP2):c.6041G>A (p.Cys2014Tyr)

Gene: MYCBP2 (MYC binding protein 2; minus strand). Cytogenetic location: 13q22.3.
Variant type: single nucleotide variant.
Coding change: c.6041G>A on transcript NM_015057.5 (MANE Select); coding-DNA position 6041, G replaced by A.
Protein change: p.Cys2014Tyr; replaces cysteine 2014 with tyrosine.
Molecular consequence: missense variant.
Genome position (GRCh38, 1-based): chr13:77,168,501, C>T on the plus strand (G>A on the coding strand, the complement: MYCBP2 is on the minus strand). VCF-style: chr13-77168501-C-T. GRCh37 (hg19) VCF-style: chr13-77742636-C-T.
Other names: short protein forms C2014Y.
Identifiers: ClinVar variation 2502708 (VCV002502708.2), dbSNP rs1236976781, ClinGen allele CA388417446.